The following is an entry in ClinVar:

NM_144997.7(FLCN):c.1433-5C>G

Gene: FLCN (folliculin; minus strand). Cytogenetic location: 17p11.2.
Variant type: single nucleotide variant.
Coding change: c.1433-5C>G on transcript NM_144997.7 (MANE Select); 5 bases into the intron before coding-DNA position 1433, C replaced by G.
Molecular consequence: intron variant.
Genome position (GRCh38, 1-based): chr17:17,215,095, G>C on the plus strand (C>G on the coding strand, the complement: FLCN is on the minus strand). VCF-style: chr17-17215095-G-C. GRCh37 (hg19) VCF-style: chr17-17118409-G-C.
Other names: c.1433-5C>G (NM_001353231.2, NM_001353230.2); c.1487-5C>G (NM_001353229.2).
Identifiers: ClinVar variation 4883409 (VCV004883409.2).

ClinVar aggregate classification (germline): Uncertain significance (1 of 4 stars; one submission).

Submission:

Dasa
Classification: Uncertain significance. Last evaluated: 2025-11-17. Review status: criteria provided, single submitter. Criteria: DASA Assertion Criteria. Collection method: clinical testing. Allele origin: germline.
Comment: NM_144997.7(FLCN):c.1433-5C>G is a splice-region variant. This variant is absent from population databases. Computational prediction algorithms are consistent with a benign effect. The currently available literature and clinical evidence are not sufficient to establish a definitive association between this variant and the reported condition. Therefore, this variant is classified as a variant of uncertain significance.